The following is an entry in ClinVar:

ClinVar aggregate classification (germline): Likely benign (1 of 4 stars; one submission).

Allele frequency attached by ClinVar (database versions not stated): gnomAD below 0.00001 and 0.00002; gnomAD exomes 0.00002 and 0.00004; ExAC 0.00005; 1000 Genomes Project 30x 0.00016; 1000 Genomes Project 0.00020.
gnomAD v4.1: 30 of 1,610,566 alleles (0.0019%); highest among the groups gnomAD compares: South Asian, 0.027%; no homozygotes.

Submission:

GeneDx
Classification: Likely benign. Last evaluated: 2016-06-30. Review status: criteria provided, single submitter. Criteria: GeneDx Variant Classification (06012015). Collection method: clinical testing. Allele origin: germline. Affected: yes.
Comment: This variant is considered likely benign or benign based on one or more of the following criteria: it is a conservative change, it occurs at a poorly conserved position in the protein, it is predicted to be benign by multiple in silico algorithms, and/or has population frequency not consistent with disease.

NM_005465.7(AKT3):c.*7T>C

Gene: AKT3 (AKT serine/threonine kinase 3; minus strand). Cytogenetic location: 1q44.
Variant type: single nucleotide variant.
Coding change: c.*7T>C on transcript NM_005465.7 (MANE Select); 7 bases downstream of the stop codon, T replaced by C.
Molecular consequence: 3 prime UTR variant. On other transcripts: intron variant (2).
Genome position (GRCh38, 1-based): chr1:243,505,242, A>G on the plus strand (T>C on the coding strand, the complement: AKT3 is on the minus strand). VCF-style: chr1-243505242-A-G. GRCh37 (hg19) VCF-style: chr1-243668544-A-G.
Other names: c.*7T>C (NM_001370074.1); c.1355-5456T>C (NM_181690.2, NM_001206729.2).
Identifiers: ClinVar variation 387204 (VCV000387204.1), dbSNP rs543291675, ClinGen allele CA1483894.
Genomic context (GRCh38, chr1:243,505,242, plus strand): 5'-GTGATGTCCAGGAATCATTTTCAGTAATAAATTGAAGATGACAGTGAAGTAGCAGAATGA[A>G]AGAGACTTATTCTCGTCCACTTGCAGAGTAGGAAAATTGAGGGAAATGCGGCCGCCTCTC-3'